The following is an entry in ClinVar:

ClinVar aggregate classification (germline): Uncertain significance (1 of 4 stars; one submission).

Conditions:
Premature menopause. Identifiers: MedGen C0025322, MONDO:0001119.
Endometriosis. Also called: Endometriosis (disease). Identifiers: MedGen C0014175, MeSH D004715, MONDO:0005133, HP:0030127.

Submission:

Genetics Laboratory, Instituto de Ciencias en Reproduccion Humana
Classification: Uncertain significance for Endometriosis; Premature ovarian insufficiency. Last evaluated: 2019-10-30. Review status: criteria provided, single submitter. Criteria: ACMG Guidelines, 2015. Collection method: research. Allele origin: paternal. Affected: yes. Observed: 1 variant allele, 1 heterozygote. Study: Developmental Genome Anatomy Project (DGAP).
Comment: The breakpoint at 10q26.2 disrupts a long ncRNA LINC01163 (AK124226) at intron 1/6 (uc0111kg.1). Neither disease association nor ClinGen curation are related to this non-coding gene.

t(3;10)(q22;q25.3)

Variant type: Translocation.
Other names: 46,XX,t(3;10)(q22;q25.3)pat.seq[GRCh37]t(3;10)(3pter->3q22.1(129,857,58{7})::10q26.2(130,029,67{8})->10qter;10pter->10q26.2(130,029,68{4})::3q22.1(129,857,58{8})->14qter).
Identifiers: ClinVar variation 810665 (VCV000810665.3).